The following is an entry in ClinVar:

ClinVar aggregate classification (germline): Uncertain significance. Review status: criteria provided, multiple submitters, no conflicts (2 of 4 stars). 2 submissions from 2 submitters: Uncertain significance (2). Last evaluated 2022-07-06.

Conditions:
Neurofibromatosis, type 2 (SWNV). Also called: BILATERAL ACOUSTIC NEUROFIBROMATOSIS; SCHWANNOMATOSIS, VESTIBULAR; NF2-Related Schwannomatosis. Identifiers: Orphanet 637, MedGen C0027832, MONDO:0007039, OMIM 101000. Disease mechanism: loss of function.
Hereditary cancer-predisposing syndrome. Also called: Neoplastic Syndromes, Hereditary; Hereditary Cancer Syndrome; Hereditary neoplastic syndrome; Tumor predisposition. Identifiers: Orphanet 140162, MedGen C0027672, MeSH D009386, MONDO:0015356.

gnomAD v4.1: 2 of 1,614,008 alleles (0.00012%); highest among the groups gnomAD compares: Non-Finnish European, 0.00017%; no homozygotes.

Submissions (2):

Labcorp Genetics (formerly Invitae), Labcorp
Classification: Uncertain significance for Neurofibromatosis, type 2. Last evaluated: 2022-07-06. Review status: criteria provided, single submitter. Criteria: Invitae Variant Classification Sherloc (09022015). Collection method: clinical testing. Allele origin: germline.
Comment: In summary, the available evidence is currently insufficient to determine the role of this variant in disease. Therefore, it has been classified as a Variant of Uncertain Significance. Algorithms developed to predict the effect of missense changes on protein structure and function are either unavailable or do not agree on the potential impact of this missense change (SIFT: "Tolerated"; PolyPhen-2: "Possibly Damaging"; Align-GVGD: "Class C0"). ClinVar contains an entry for this variant (Variation ID: 1020490). This variant has not been reported in the literature in individuals affected with NF2-related conditions. This variant is not present in population databases (gnomAD no frequency). This sequence change replaces lysine, which is basic and polar, with asparagine, which is neutral and polar, at codon 525 of the NF2 protein (p.Lys525Asn).

Ambry Genetics
Classification: Uncertain significance for Hereditary cancer-predisposing syndrome. Last evaluated: 2020-07-28. Review status: criteria provided, single submitter. Criteria: Ambry Variant Classification Scheme 2023. Collection method: clinical testing. Allele origin: germline.
Comment: The p.K525N variant (also known as c.1575A>C), located in coding exon 15 of the NF2 gene, results from an A to C substitution at nucleotide position 1575. This variant impacts the first base pair of coding exon 15. The lysine at codon 525 is replaced by asparagine, an amino acid with similar properties. This amino acid position is well conserved in available vertebrate species. In addition, this alteration is predicted to be tolerated by in silico analysis. Since supporting evidence is limited at this time, the clinical significance of this alteration remains unclear.

NM_000268.4(NF2):c.1575A>C (p.Lys525Asn)

Gene: NF2 (NF2, moesin-ezrin-radixin like (MERLIN) tumor suppressor; plus strand). Cytogenetic location: 22q12.2.
Variant type: single nucleotide variant.
Coding change: c.1575A>C on transcript NM_000268.4 (MANE Select); coding-DNA position 1575, A replaced by C.
Protein change: p.Lys525Asn; replaces lysine 525 with asparagine.
Molecular consequence: missense variant. On other transcripts: non-coding transcript variant (1), intron variant (1).
Genome position (GRCh38, 1-based): chr22:29,681,439, A>C. VCF-style: chr22-29681439-A-C. GRCh37 (hg19) VCF-style: chr22-30077428-A-C.
Other names: c.1575A>C, p.Lys525Asn (NM_016418.5, NM_181825.3, NM_181832.3); c.1449A>C, p.Lys483Asn (NM_181828.3); c.1452A>C, p.Lys484Asn (NM_181829.3); c.1326A>C, p.Lys442Asn (NM_181830.3, NM_181831.3); c.448-13313A>C (NM_181833.3); short protein forms K442N, K483N, K484N, K525N.
Identifiers: ClinVar variation 1020490 (VCV001020490.9), dbSNP rs1060503673, ClinGen allele CA411149985.